The following is an entry in ClinVar:

NM_014712.3(SETD1A):c.2610G>C (p.Gly870=)

Gene: SETD1A (SET domain containing 1A, histone lysine methyltransferase; plus strand). Cytogenetic location: 16p11.2.
Variant type: single nucleotide variant.
Coding change: c.2610G>C on transcript NM_014712.3 (MANE Select); coding-DNA position 2610, G replaced by C.
Protein change: p.Gly870=; no amino-acid change (glycine 870 retained).
Molecular consequence: synonymous variant.
Genome position (GRCh38, 1-based): chr16:30,966,988, G>C. VCF-style: chr16-30966988-G-C. GRCh37 (hg19) VCF-style: chr16-30978309-G-C.
Identifiers: ClinVar variation 2570940 (VCV002570940.28), dbSNP rs147752310, ClinGen allele CA8016967.
Genomic context (GRCh38, chr16:30,966,988, plus strand): 5'-AGAGAAGACGAAGCTGAAGGAGCCTGGCCTGCTGTCCCTCGTGGACTGGGCCAAGAGCGG[G>C]GGCACTACGGGCATCGAGGCTTTCGCCTTTGGGTCAGGGCTGAGAGGGGCCCTGCGGCTG-3'
Protein context (NP_055527.1, residues 860-880): LLSLVDWAKS[Gly870=]GTTGIEAFAF

ClinVar aggregate classification (germline): Likely benign. Review status: criteria provided, multiple submitters, no conflicts (2 of 4 stars). 2 submissions from 2 submitters: Likely benign (2). Last evaluated 2025-11-01.

Allele frequency attached by ClinVar (database versions not stated): 1000 Genomes Project 30x 0.00047; 1000 Genomes Project 0.00060; ESP Exome Variant Server 0.00069.
gnomAD v4.1: 206 of 1,595,776 alleles (0.013%); highest among the groups gnomAD compares: African/African-American, 0.22%; 2 homozygotes.

Submissions (2):

CeGaT Center for Human Genetics Tuebingen
Classification: Likely benign. Last evaluated: 2025-11-01. Review status: criteria provided, single submitter. Criteria: CeGaT Center For Human Genetics Tuebingen Variant Classification Criteria Version 2. Collection method: clinical testing. Allele origin: germline. Affected: yes. Observed: 2 variant alleles.
Comment: SETD1A: BP4, BP7

Blueprint Genetics
Classification: Likely benign. Last evaluated: 2024-09-23. Review status: criteria provided, single submitter. Criteria: ACMG Guidelines, 2015. Collection method: clinical testing. Allele origin: germline.